The following is an entry in ClinVar:

NM_133444.3(ZNF526):c.1693A>G (p.Thr565Ala)

Gene: ZNF526 (zinc finger protein 526; plus strand). Cytogenetic location: 19q13.2.
Variant type: single nucleotide variant.
Coding change: c.1693A>G on transcript NM_133444.3 (MANE Select); coding-DNA position 1693, A replaced by G.
Protein change: p.Thr565Ala; replaces threonine 565 with alanine.
Molecular consequence: missense variant.
Genome position (GRCh38, 1-based): chr19:42,226,096, A>G. VCF-style: chr19-42226096-A-G. GRCh37 (hg19) VCF-style: chr19-42730248-A-G.
Other names: c.1693A>G, p.Thr565Ala (NM_001314033.3); short protein forms T565A.
Identifiers: ClinVar variation 3893386 (VCV003893386.1).
Genomic context (GRCh38, chr19:42,226,096, plus strand): 5'-CAGCACCGGCGGTTGCACTTGCGGCCAGTCGCCTTTGCCCGCGCCCCCCGCCTCCCCATC[A>G]CTGGTCTCTACAACAAGAGTCCCTACTACTGCGGGACTTGTGGCCGCTGGTTCCGCGCCA-3'
Protein context (NP_597701.1, residues 555-575): AFARAPRLPI[Thr565Ala]GLYNKSPYYC

ClinVar aggregate classification (germline): Uncertain significance (1 of 4 stars; one submission).

gnomAD v4.1: 244 of 1,605,968 alleles (0.015%); highest among the groups gnomAD compares: African/African-American, 0.3%; no homozygotes.

Submission:

GeneDx
Classification: Uncertain significance. Last evaluated: 2024-10-24. Review status: criteria provided, single submitter. Criteria: GeneDx Variant Classification Process June 2021. Collection method: clinical testing. Allele origin: germline. Affected: yes.
Comment: In silico analysis indicates that this missense variant does not alter protein structure/function; Has not been previously published as pathogenic or benign to our knowledge